The following is an entry in ClinVar:

ClinVar aggregate classification (germline): Pathogenic/Likely pathogenic. Review status: criteria provided, multiple submitters, no conflicts (2 of 4 stars). 3 submissions from 3 submitters: Pathogenic (2); Likely pathogenic (1). Last evaluated 2025-07-10.

Conditions:
Familial cancer of breast. Also called: Hereditary breast cancer; BREAST CANCER, FAMILIAL; hereditary breast carcinoma. Identifiers: Orphanet 227535, MedGen C0346153, MONDO:0016419, OMIM 114480. Disease mechanism: loss of function.

Submissions (3):

Quest Diagnostics Nichols Institute San Juan Capistrano
Classification: Likely pathogenic. Last evaluated: 2025-07-10. Review status: criteria provided, single submitter. Criteria: Quest Diagnostics criteria. Collection method: clinical testing. Allele origin: unknown.
Comment: The PALB2 c.2870del (p.Lys957Serfs*5) variant alters the translational reading frame of the PALB2 mRNA and is predicted to cause the premature termination of PALB2 protein synthesis. This variant has not been reported in individuals with PALB2-related conditions in the published literature. This variant has not been reported in large, multi-ethnic general populations (Genome Aggregation Database). Based on the available information, this variant is classified as likely pathogenic.

Labcorp Genetics (formerly Invitae), Labcorp
Classification: Pathogenic for Familial cancer of breast. Last evaluated: 2023-09-23. Review status: criteria provided, single submitter. Criteria: Invitae Variant Classification Sherloc (09022015). Collection method: clinical testing. Allele origin: germline.
Comment: This sequence change creates a premature translational stop signal (p.Lys957Serfs*5) in the PALB2 gene. It is expected to result in an absent or disrupted protein product. Loss-of-function variants in PALB2 are known to be pathogenic (PMID: 17200668, 17200671, 17200672, 24136930, 25099575). This variant is not present in population databases (gnomAD no frequency). This variant has not been reported in the literature in individuals affected with PALB2-related conditions. For these reasons, this variant has been classified as Pathogenic.

Myriad Genetics, Inc.
Classification: Pathogenic for Familial cancer of breast. Last evaluated: 2023-09-14. Review status: criteria provided, single submitter. Criteria: Myriad Autosomal Dominant, Autosomal Recessive and X-Linked Classification Criteria (2023). Collection method: clinical testing. Allele origin: unknown.
Comment: This variant is considered pathogenic. This variant creates a frameshift predicted to result in premature protein truncation.

Literature cited by the submitters: PubMed 17200668 (cited by Labcorp Genetics (formerly Invitae), Labcorp); PubMed 17200671 (cited by Labcorp Genetics (formerly Invitae), Labcorp); PubMed 17200672 (cited by Labcorp Genetics (formerly Invitae), Labcorp); PubMed 24136930 (cited by Labcorp Genetics (formerly Invitae), Labcorp); PubMed 25099575 (cited by Labcorp Genetics (formerly Invitae), Labcorp).

NM_024675.4(PALB2):c.2870del (p.Lys957fs)

Gene: PALB2 (partner and localizer of BRCA2; minus strand). Cytogenetic location: 16p12.2.
Variant type: Deletion.
Coding change: c.2870del on transcript NM_024675.4 (MANE Select); coding-DNA position 2870, one base deleted (A; older notation c.2870delA).
Protein change: p.Lys957fs; shifts the reading frame from lysine 957.
Molecular consequence: frameshift variant. On other transcripts: intron variant (1).
Genome position (GRCh38, 1-based): chr16:23,623,095, T deleted on the plus strand (A on the coding strand, the reverse complement: PALB2 is on the minus strand); the first of 4 consecutive T bases (chr16:23,623,095-23,623,098); deleting any one gives the same sequence. VCF-style (leftmost placement, unchanged base first): chr16-23623094-CT-C. GRCh37 (hg19) VCF-style: chr16-23634415-CT-C.
Other names: c.2810del, p.Lys937fs (NM_001407296.1); c.2798del, p.Lys933fs (NM_001407297.1); c.2708del, p.Lys903fs (NM_001407298.1, NM_001407302.1); c.2870del, p.Lys957fs (NM_001407299.1, NM_001407301.1); c.1985del, p.Lys662fs (NM_001407304.1, NM_001407305.1, NM_001407306.1 and 4 more transcripts); c.1823del, p.Lys608fs (NM_001407307.1); c.1082del, p.Lys361fs (NM_001407312.1, NM_001407313.1); c.404del, p.Lys135fs (NM_001407314.1); and 3 more; short protein forms K135fs, K361fs, K608fs, K662fs, K903fs, K933fs, K937fs, K957fs.
Identifiers: ClinVar variation 2673841 (VCV002673841.5), dbSNP rs2506336959, ClinGen allele CA2695197603.